The following is an entry in ClinVar:

NM_021008.4(DEAF1):c.1504-4G>C

Gene: DEAF1 (DEAF1 transcription factor; minus strand). Cytogenetic location: 11p15.5.
Variant type: single nucleotide variant.
Coding change: c.1504-4G>C on transcript NM_021008.4 (MANE Select); 4 bases into the intron before coding-DNA position 1504, G replaced by C.
Molecular consequence: intron variant.
Genome position (GRCh38, 1-based): chr11:654,055, C>G on the plus strand (G>C on the coding strand, the complement: DEAF1 is on the minus strand). VCF-style: chr11-654055-C-G. GRCh37 (hg19) VCF-style: chr11-654055-C-G.
Other names: c.778-4G>C (NM_001367390.1, NM_001440885.1, NM_001440887.1 and 1 more transcripts); c.1279-4G>C (NM_001293634.2); c.1375-4G>C (NM_001440884.1); c.1504-9401G>C (NM_001440883.1).
Identifiers: ClinVar variation 4708294 (VCV004708294.1).

ClinVar aggregate classification (germline): Uncertain significance (1 of 4 stars; one submission).

gnomAD v4.1: 1 of 1,612,330 alleles (0.000062%); highest among the groups gnomAD compares: Non-Finnish European, 0.000085%; no homozygotes.

Submission:

Labcorp Genetics (formerly Invitae), Labcorp
Classification: Uncertain significance. Last evaluated: 2026-01-05. Review status: criteria provided, single submitter. Criteria: Invitae Variant Classification Sherloc (09022015). Collection method: clinical testing. Allele origin: germline.
Comment: This sequence change falls in intron 10 of the DEAF1 gene. It does not directly change the encoded amino acid sequence of the DEAF1 protein. This variant is not present in population databases (gnomAD no frequency). This variant has not been reported in the literature in individuals affected with DEAF1-related conditions. Algorithms developed to predict the effect of sequence changes on RNA splicing suggest that this variant may create or strengthen a splice site. In summary, the available evidence is currently insufficient to determine the role of this variant in disease. Therefore, it has been classified as a Variant of Uncertain Significance.